The following is an entry in ClinVar:

NM_000215.4(JAK3):c.2773C>T (p.Arg925Cys)

Gene: JAK3 (Janus kinase 3; minus strand). Cytogenetic location: 19p13.11.
Variant type: single nucleotide variant.
Coding change: c.2773C>T on transcript NM_000215.4 (MANE Select); coding-DNA position 2773, C replaced by T.
Protein change: p.Arg925Cys; replaces arginine 925 with cysteine.
Molecular consequence: missense variant.
Genome position (GRCh38, 1-based): chr19:17,831,706, G>A on the plus strand (C>T on the coding strand, the complement: JAK3 is on the minus strand). VCF-style: chr19-17831706-G-A. GRCh37 (hg19) VCF-style: chr19-17942515-G-A.
Other names: short protein forms R925C.
Identifiers: ClinVar variation 888995 (VCV000888995.9), dbSNP rs149452625, ClinGen allele CA9301513.

ClinVar aggregate classification (germline): Uncertain significance. Review status: criteria provided, multiple submitters, no conflicts (2 of 4 stars). 3 submissions from 3 submitters: Uncertain significance (3). Last evaluated 2024-06-11.

Conditions:
T-B+ severe combined immunodeficiency due to JAK3 deficiency. Also called: SCID, T CELL-NEGATIVE, B CELL-POSITIVE, NK CELL-NEGATIVE; SCID, autosomal recessive, T-negative/B-positive type. Identifiers: Orphanet 35078, MedGen C1833275, MONDO:0010938, OMIM 600802.

Allele frequency attached by ClinVar (database versions not stated): TOPMed 0.00008.
gnomAD v4.1: 324 of 1,610,432 alleles (0.02%); highest among the groups gnomAD compares: Non-Finnish European, 0.026%; 1 homozygote.

Submissions (3):

Blueprint Genetics
Classification: Uncertain significance. Last evaluated: 2024-06-11. Review status: criteria provided, single submitter. Criteria: ACMG Guidelines, 2015. Collection method: clinical testing. Allele origin: germline.

Labcorp Genetics (formerly Invitae), Labcorp
Classification: Uncertain significance for T-B+ severe combined immunodeficiency due to JAK3 deficiency. Last evaluated: 2022-11-03. Review status: criteria provided, single submitter. Criteria: Invitae Variant Classification Sherloc (09022015). Collection method: clinical testing. Allele origin: germline.
Comment: This sequence change replaces arginine, which is basic and polar, with cysteine, which is neutral and slightly polar, at codon 925 of the JAK3 protein (p.Arg925Cys). This variant is present in population databases (rs149452625, gnomAD 0.03%). This variant has not been reported in the literature in individuals affected with JAK3-related conditions. ClinVar contains an entry for this variant (Variation ID: 888995). Advanced modeling of protein sequence and biophysical properties (such as structural, functional, and spatial information, amino acid conservation, physicochemical variation, residue mobility, and thermodynamic stability) has been performed at Invitae for this missense variant, however the output from this modeling did not meet the statistical confidence thresholds required to predict the impact of this variant on JAK3 protein function. In summary, the available evidence is currently insufficient to determine the role of this variant in disease. Therefore, it has been classified as a Variant of Uncertain Significance.

Illumina Laboratory Services, Illumina
Classification: Uncertain significance for T-B+ severe combined immunodeficiency due to JAK3 deficiency. Last evaluated: 2017-04-27. Review status: criteria provided, single submitter. Criteria: ICSL Variant Classification Criteria 13 December 2019. Collection method: clinical testing. Allele origin: germline.